The following is an entry in ClinVar:

ClinVar aggregate classification (germline): Conflicting classifications of pathogenicity. Review status: criteria provided, conflicting classifications (1 of 4 stars). 6 submissions from 4 submitters: Uncertain significance (3); Likely benign (3). Last evaluated 2024-08-31.

Conditions:
Hyperinsulinism due to INSR deficiency. Also called: Hyperinsulinism due to glutamodehydrogenase deficiency. Identifiers: Orphanet 263458, MedGen C1864952, MONDO:0012381, OMIM 609968.
Leprechaunism syndrome. Also called: Donohue syndrome; LEPRECHAUNISM. Identifiers: Orphanet 508, MedGen C0265344, MONDO:0009517, OMIM 246200.
Rabson-Mendenhall syndrome. Also called: MENDENHALL SYNDROME; Pineal Hyperplasia, Insulin-Resistant Diabetes Mellitus, and Somatic Abnormalities; Pineal hyperplasia AND diabetes mellitus syndrome. Identifiers: Orphanet 769, MedGen C0271695, MONDO:0009874, OMIM 262190.
Insulin-resistant diabetes mellitus AND acanthosis nigricans. Also called: INSULIN RECEPTOR, DEFECT IN, WITH INSULIN-RESISTANT DIABETES MELLITUS AND ACANTHOSIS NIGRICANS; IRAN, TYPE A; Insulin-resistance syndrome type A; type A insulin resistance; DIABETES MELLITUS, INSULIN-RESISTANT, WITH ACANTHOSIS NIGRICANS, TYPE A. Identifiers: Orphanet 2297, MedGen C0342278, MONDO:0012520, OMIM 610549.

Allele frequency attached by ClinVar (database versions not stated): ExAC 0.00007; ESP Exome Variant Server 0.00008; gnomAD 0.00008; gnomAD exomes 0.00008 and 0.00019; TOPMed 0.00010.
gnomAD v4.1: 288 of 1,614,018 alleles (0.018%); highest among the groups gnomAD compares: Non-Finnish European, 0.022%; 1 homozygote.

Submissions (6):

Blueprint Genetics
Classification: Likely benign. Last evaluated: 2024-08-31. Review status: criteria provided, single submitter. Criteria: ACMG Guidelines, 2015. Collection method: clinical testing. Allele origin: germline.

Labcorp Genetics (formerly Invitae), Labcorp
Classification: Likely benign. Last evaluated: 2021-08-11. Review status: criteria provided, single submitter. Criteria: Invitae Variant Classification Sherloc (09022015). Collection method: clinical testing. Allele origin: germline.

Illumina Laboratory Services, Illumina
Classification: Uncertain significance for Leprechaunism syndrome. Last evaluated: 2018-01-12. Review status: criteria provided, single submitter. Criteria: ICSL Variant Classification Criteria 13 December 2019. Collection method: clinical testing. Allele origin: germline.

Illumina Laboratory Services, Illumina
Classification: Uncertain significance for Insulin-resistant diabetes mellitus AND acanthosis nigricans. Last evaluated: 2018-01-12. Review status: criteria provided, single submitter. Criteria: ICSL Variant Classification Criteria 13 December 2019. Collection method: clinical testing. Allele origin: germline.

Illumina Laboratory Services, Illumina
Classification: Uncertain significance for Rabson-Mendenhall syndrome. Last evaluated: 2018-01-12. Review status: criteria provided, single submitter. Criteria: ICSL Variant Classification Criteria 13 December 2019. Collection method: clinical testing. Allele origin: germline.

Clinical Genomics, Uppaluri K&H Personalized Medicine Clinic
Classification: Likely benign for Hyperinsulinism due to INSR deficiency. Review status: criteria provided, single submitter. Criteria: K And H Uppaluri Personalized Medicine Clinic Variant Classification And Assertion Criteria Updated V 2. Collection method: research. Allele origin: unknown. Inheritance: Autosomal dominant inheritance.
Comment: Potent mutations in INSR gene can lead to insulin resistance, which presents as impaired glucose tolerance, early onset type 2 diabetes, post prandial hyperglycemia and increased insulin requirement in type 1 diabetes. These mutations in INSR gene can also predispose to coronary artery disease, metabolic syndrome, polycystic ovarian disease and non alcoholic fatty liver disease.However, the role of this particular variant rs376766937 with early onset diabetes mellitus is yet to be ascertained.

Literature cited by the submitters: PubMed 35000900 (cited by Clinical Genomics, Uppaluri K&H Personalized Medicine Clinic); PubMed 31989990 (cited by Clinical Genomics, Uppaluri K&H Personalized Medicine Clinic); PubMed 23705494 (cited by Clinical Genomics, Uppaluri K&H Personalized Medicine Clinic).

NM_000208.4(INSR):c.2829C>T (p.Tyr943=)

Gene: INSR (insulin receptor; minus strand). Cytogenetic location: 19p13.2.
Variant type: single nucleotide variant.
Coding change: c.2829C>T on transcript NM_000208.4 (MANE Select); coding-DNA position 2829, C replaced by T.
Protein change: p.Tyr943=; no amino-acid change (tyrosine 943 retained).
Molecular consequence: synonymous variant.
Genome position (GRCh38, 1-based): chr19:7,132,171, G>A on the plus strand (C>T on the coding strand, the complement: INSR is on the minus strand). VCF-style: chr19-7132171-G-A. GRCh37 (hg19) VCF-style: chr19-7132182-G-A.
Other names: c.2793C>T, p.Tyr931= (NM_001079817.3).
Identifiers: ClinVar variation 892834 (VCV000892834.14), dbSNP rs376766937, ClinGen allele CA9135447.